The following is an entry in ClinVar:

NM_001292063.2(OTOG):c.4102C>A (p.Arg1368=)

Gene: OTOG (otogelin; plus strand). Cytogenetic location: 11p15.1.
Variant type: single nucleotide variant.
Coding change: c.4102C>A on transcript NM_001292063.2 (MANE Select); coding-DNA position 4102, C replaced by A.
Protein change: p.Arg1368=; no amino-acid change (arginine 1368 retained).
Molecular consequence: synonymous variant.
Genome position (GRCh38, 1-based): chr11:17,606,081, C>A. VCF-style: chr11-17606081-C-A. GRCh37 (hg19) VCF-style: chr11-17627628-C-A.
Other names: c.4138C>A, p.Arg1380= (NM_001277269.2); c.4138C>A (NM_001277269.1).
Identifiers: ClinVar variation 1899568 (VCV001899568.7), dbSNP rs543171228, ClinGen allele CA218472208.

ClinVar aggregate classification (germline): Conflicting classifications of pathogenicity. Review status: criteria provided, conflicting classifications (1 of 4 stars). 2 submissions from 2 submitters: Uncertain significance (1); Likely benign (1). Last evaluated 2025-12-17.

gnomAD v4.1: 149 of 1,549,782 alleles (0.0096%); highest among the groups gnomAD compares: Non-Finnish European, 0.012%; no homozygotes.

Submissions (2):

Labcorp Genetics (formerly Invitae), Labcorp
Classification: Likely benign. Last evaluated: 2025-12-17. Review status: criteria provided, single submitter. Criteria: Invitae Variant Classification Sherloc (09022015). Collection method: clinical testing. Allele origin: germline.

GeneDx
Classification: Uncertain significance. Last evaluated: 2025-08-08. Review status: criteria provided, single submitter. Criteria: GeneDx Variant Classification Process June 2021. Collection method: clinical testing. Allele origin: germline.
Comment: Not observed at significant frequency in large population cohorts (gnomAD); In silico analysis suggests that this variant does not alter splicing; Has not been previously published as pathogenic or benign to our knowledge